The following is an entry in ClinVar:

ClinVar aggregate classification (germline): Uncertain significance (1 of 4 stars; one submission).

Conditions:
Epidermolysis bullosa simplex with nail dystrophy (EBS5D). Identifiers: MedGen C4225309, MONDO:0014661, OMIM 616487.
Epidermolysis bullosa simplex, Ogna type (EBS5A). Also called: Pidermolysis bullosa simplex 5A, Ogna type; EPIDERMOLYSIS BULLOSA SIMPLEX 5A, OGNA TYPE. Identifiers: Orphanet 79401, MedGen C0432317, MONDO:0007555, OMIM 131950.
Epidermolysis bullosa simplex 5B, with muscular dystrophy (EBS5B). Also called: Epidermolysis bullosa simplex with muscular dystrophy; EPIDERMOLYSIS BULLOSA SIMPLEX AND LIMB-GIRDLE MUSCULAR DYSTROPHY. Identifiers: Orphanet 257, MedGen C2931072, MONDO:0009181, OMIM 226670.
Autosomal recessive limb-girdle muscular dystrophy type 2Q (LGMDR17). Also called: MUSCULAR DYSTROPHY, LIMB-GIRDLE, AUTOSOMAL RECESSIVE 17. Identifiers: Orphanet 254361, MedGen C3150989, MONDO:0013390, OMIM 613723.
Epidermolysis bullosa simplex 5C, with pyloric atresia (EBS5C). Also called: PLEC-Related Epidermolysis Bullosa with Pyloric Atresia; Epidermolysis bullosa simplex with pyloric atresia; PLEC1-Related Epidermolysis Bullosa with Pyloric Atresia. Identifiers: Orphanet 158684, MedGen C2677349, MONDO:0012807, OMIM 612138.

gnomAD v4.1: 10 of 1,595,332 alleles (0.00063%); highest among the groups gnomAD compares: Middle Eastern, 0.018%; no homozygotes.

Submission:

Labcorp Genetics (formerly Invitae), Labcorp
Classification: Uncertain significance for Autosomal recessive limb-girdle muscular dystrophy type 2Q; Epidermolysis bullosa simplex, Ogna type; Epidermolysis bullosa simplex with nail dystrophy; Epidermolysis bullosa simplex 5C, with pyloric atresia; Epidermolysis bullosa simplex 5B, with muscular dystrophy. Last evaluated: 2025-12-15. Review status: criteria provided, single submitter. Criteria: Invitae Variant Classification Sherloc (09022015). Collection method: clinical testing. Allele origin: germline.
Comment: This sequence change replaces arginine, which is basic and polar, with cysteine, which is neutral and slightly polar, at codon 2622 of the PLEC protein (p.Arg2622Cys). This variant is not present in population databases (gnomAD no frequency). This variant has not been reported in the literature in individuals affected with PLEC-related conditions. Invitae Evidence Modeling of protein sequence and biophysical properties (such as structural, functional, and spatial information, amino acid conservation, physicochemical variation, residue mobility, and thermodynamic stability) indicates that this missense variant is not expected to disrupt PLEC protein function with a negative predictive value of 80%. In summary, the available evidence is currently insufficient to determine the role of this variant in disease. Therefore, it has been classified as a Variant of Uncertain Significance.

NM_201384.3(PLEC):c.7783C>T (p.Arg2595Cys)

Gene: PLEC (plectin; minus strand). Cytogenetic location: 8q24.3.
Variant type: single nucleotide variant.
Coding change: c.7783C>T on transcript NM_201384.3 (MANE Select); coding-DNA position 7783, C replaced by T.
Protein change: p.Arg2595Cys; replaces arginine 2595 with cysteine.
Molecular consequence: missense variant.
Genome position (GRCh38, 1-based): chr8:143,922,038, G>A on the plus strand (C>T on the coding strand, the complement: PLEC is on the minus strand). VCF-style: chr8-143922038-G-A. GRCh37 (hg19) VCF-style: chr8-144996206-G-A.
Other names: c.7687C>T, p.Arg2563Cys (NM_201381.3); c.7783C>T, p.Arg2595Cys (NM_201382.4); c.7795C>T, p.Arg2599Cys (NM_201383.3); c.7864C>T, p.Arg2622Cys (NM_000445.5); c.4483C>T, p.Arg1495Cys (NM_001410941.1); c.7741C>T, p.Arg2581Cys (NM_201378.4); c.7717C>T, p.Arg2573Cys (NM_201379.3); c.8194C>T, p.Arg2732Cys (NM_201380.4); short protein forms R2581C, R2732C, R1495C, R2563C, R2595C, R2573C, R2599C, R2622C.
Identifiers: ClinVar variation 4783660 (VCV004783660.1).